The following is an entry in ClinVar:

ClinVar aggregate classification (germline): Uncertain significance (1 of 4 stars; one submission).

Allele frequency attached by ClinVar (database versions not stated): gnomAD exomes below 0.00001.
gnomAD v4.1: 1 of 1,613,922 alleles (0.000062%); highest among the groups gnomAD compares: African/African-American, 0.0013%; no homozygotes.

Submission:

Labcorp Genetics (formerly Invitae), Labcorp
Classification: Uncertain significance. Last evaluated: 2022-06-09. Review status: criteria provided, single submitter. Criteria: Invitae Variant Classification Sherloc (09022015). Collection method: clinical testing. Allele origin: germline.
Comment: This sequence change replaces isoleucine, which is neutral and non-polar, with valine, which is neutral and non-polar, at codon 1351 of the LRP5 protein (p.Ile1351Val). This variant is not present in population databases (gnomAD no frequency). This variant has not been reported in the literature in individuals affected with LRP5-related conditions. Advanced modeling of protein sequence and biophysical properties (such as structural, functional, and spatial information, amino acid conservation, physicochemical variation, residue mobility, and thermodynamic stability) performed at Invitae indicates that this missense variant is not expected to disrupt LRP5 protein function. In summary, the available evidence is currently insufficient to determine the role of this variant in disease. Therefore, it has been classified as a Variant of Uncertain Significance.

NM_002335.4(LRP5):c.4051A>G (p.Ile1351Val)

Gene: LRP5 (LDL receptor related protein 5; plus strand). Cytogenetic location: 11q13.2.
Variant type: single nucleotide variant.
Coding change: c.4051A>G on transcript NM_002335.4 (MANE Select); coding-DNA position 4051, A replaced by G.
Protein change: p.Ile1351Val; replaces isoleucine 1351 with valine.
Molecular consequence: missense variant.
Genome position (GRCh38, 1-based): chr11:68,436,939, A>G. VCF-style: chr11-68436939-A-G. GRCh37 (hg19) VCF-style: chr11-68204407-A-G.
Other names: c.2308A>G, p.Ile770Val (NM_001291902.2); short protein forms I770V, I1351V.
Identifiers: ClinVar variation 2096479 (VCV002096479.4), dbSNP rs769778086, ClinGen allele CA224253074.